The following is an entry in ClinVar:

ClinVar aggregate classification (germline): Uncertain significance (1 of 4 stars; one submission).

Submission:

Labcorp Genetics (formerly Invitae), Labcorp
Classification: Uncertain significance. Last evaluated: 2022-04-16. Review status: criteria provided, single submitter. Criteria: Invitae Variant Classification Sherloc (09022015). Collection method: clinical testing. Allele origin: germline.
Comment: In summary, the available evidence is currently insufficient to determine the role of this variant in disease. Therefore, it has been classified as a Variant of Uncertain Significance. Algorithms developed to predict the effect of missense changes on protein structure and function are either unavailable or do not agree on the potential impact of this missense change (SIFT: "Tolerated"; PolyPhen-2: "Possibly Damaging"; Align-GVGD: "Class C0"). This variant has not been reported in the literature in individuals affected with FOXP1-related conditions. This variant is not present in population databases (gnomAD no frequency). This sequence change replaces threonine, which is neutral and polar, with alanine, which is neutral and non-polar, at codon 653 of the FOXP1 protein (p.Thr653Ala).

NM_001349338.3(FOXP1):c.1957A>G (p.Thr653Ala)

Gene: FOXP1 (forkhead box P1; minus strand). Cytogenetic location: 3p13.
Variant type: single nucleotide variant.
Coding change: c.1957A>G on transcript NM_001349338.3 (MANE Select); coding-DNA position 1957, A replaced by G.
Protein change: p.Thr653Ala; replaces threonine 653 with alanine.
Molecular consequence: missense variant. On other transcripts: non-coding transcript variant (2).
Genome position (GRCh38, 1-based): chr3:70,959,324, T>C on the plus strand (A>G on the coding strand, the complement: FOXP1 is on the minus strand). VCF-style: chr3-70959324-T-C. GRCh37 (hg19) VCF-style: chr3-71008475-T-C.
Other names: c.1954A>G, p.Thr652Ala (NM_001244808.3, NM_001349341.3); c.2005A>G, p.Thr669Ala (NM_001244810.2); c.1729A>G, p.Thr577Ala (NM_001244812.3); c.1657A>G, p.Thr553Ala (NM_001244813.3, NM_001244815.2, NM_001349342.3); c.1957A>G, p.Thr653Ala (NM_001244814.3, NM_001244816.2, NM_001349340.3 and 1 more transcripts); c.1654A>G, p.Thr552Ala (NM_001349337.2, NM_001349343.3, NM_001349344.3 and 1 more transcripts); short protein forms T553A, T653A, T577A, T669A, T552A, T652A.
Identifiers: ClinVar variation 2126921 (VCV002126921.4), dbSNP rs2544831333, ClinGen allele CA353488550.
Genomic context (GRCh38, chr3:70,959,324, plus strand): 5'-TTACTGGTTCATCTTCGTAATCTCTGTCATGGTCAAAATCTGGACTGTGGTTGGCTGTTG[T>C]CACTAAGGACAGGGGCCCTTCAGCTTCCTCTGGATCGAGGGGCTCTTCTTTGACGTGTAC-3'
Protein context (NP_001336267.1, residues 643-663): EEAEGPLSLV[Thr653Ala]TANHSPDFDH